The following is an entry in ClinVar:

ClinVar aggregate classification (germline): Pathogenic (1 of 4 stars; one submission).

Conditions:
Hereditary cancer-predisposing syndrome. Also called: Neoplastic Syndromes, Hereditary; Tumor predisposition; Hereditary Cancer Syndrome; Hereditary neoplastic syndrome. Identifiers: Orphanet 140162, MedGen C0027672, MeSH D009386, MONDO:0015356.

Submission:

Ambry Genetics
Classification: Pathogenic for Hereditary cancer-predisposing syndrome. Last evaluated: 2018-09-26. Review status: criteria provided, single submitter. Criteria: Ambry Variant Classification Scheme 2023. Collection method: clinical testing. Allele origin: germline.
Comment: The c.679_689dup11 variant, located in coding exon 6 of the PMS2 gene, results from a duplication of ATCGGCTCTGT at nucleotide position 679, causing a translational frameshift with a predicted alternate stop codon (p.F231Sfs*31). This alteration is expected to result in loss of function by premature protein truncation or nonsense-mediated mRNA decay. As such, this alteration is interpreted as a disease-causing mutation.

NM_000535.7(PMS2):c.679_689dup (p.Phe231fs)

Gene: PMS2 (PMS1 homolog 2, mismatch repair system component; minus strand). Cytogenetic location: 7p22.1.
Variant type: Duplication.
Coding change: c.679_689dup on transcript NM_000535.7 (MANE Select); coding-DNA positions 679 to 689, 11 bases duplicated (ATCGGCTCTGT).
Protein change: p.Phe231fs; shifts the reading frame from phenylalanine 231.
Molecular consequence: frameshift variant. On other transcripts: 5 prime UTR variant (2), non-coding transcript variant (1), intron variant (1).
Genome position (GRCh38, 1-based): chr7:5,999,124-5,999,134, ACAGAGCCGAT duplicated on the plus strand (ATCGGCTCTGT on the coding strand, the reverse complement: PMS2 is on the minus strand); duplicating any 11 consecutive bases within chr7:5,999,124-5,999,135 gives the same sequence; the c. name uses the placement nearest the transcript's 3' end. VCF-style (leftmost placement, unchanged base first): chr7-5999123-C-CACAGAGCCGAT. GRCh37 (hg19) VCF-style: chr7-6038754-C-CACAGAGCCGAT.
Other names: c.679_689dupATCGGCTCTGT (NM_000535.5); c.273_283dup, p.Phe96Serfs (NM_001018040.1, NM_001406887.1, NM_001406888.1 and 15 more transcripts); c.274_284dup, p.Phe96fs (NM_001322003.2, NM_001322004.2, NM_001322005.2 and 2 more transcripts); c.679_689dup, p.Phe231fs (NM_001322006.2, NM_001322014.2); c.361_371dup, p.Phe125fs (NM_001322007.2, NM_001322008.2); c.-255_-245dup (NM_001322011.2, NM_001322012.2); c.370_380dup, p.Phe128fs (NM_001322015.2); c.864_874dup, p.Phe293Serfs (NM_001406866.1); and 6 more; short protein forms F128fs, F231fs, F96fs, F125fs.
Identifiers: ClinVar variation 1755451 (VCV001755451.2), dbSNP rs2536304713, ClinGen allele CA2580076888.
Genomic context (GRCh38, chr7:5,999,123, plus strand): 5'-ATCACTAGAGCAATAAGAGGCGTTGAAGTAACCGGCCATCACTACCTGCTTCTGCCCAAA[C>CACAGAGCCGAT]ACAGAGCCGATATTTTCCTTTATGCTGGGGCTTCCACCTGTGCATACCACAGGCTGTCGT-3'